The following is an entry in ClinVar:

NM_025114.4(CEP290):c.2473G>A (p.Glu825Lys)

Gene: CEP290 (centrosomal protein 290; minus strand). Cytogenetic location: 12q21.32.
Variant type: single nucleotide variant.
Coding change: c.2473G>A on transcript NM_025114.4 (MANE Select); coding-DNA position 2473, G replaced by A.
Protein change: p.Glu825Lys; replaces glutamic acid 825 with lysine.
Molecular consequence: missense variant.
Genome position (GRCh38, 1-based): chr12:88,109,076, C>T on the plus strand (G>A on the coding strand, the complement: CEP290 is on the minus strand). VCF-style: chr12-88109076-C-T. GRCh37 (hg19) VCF-style: chr12-88502853-C-T.
Other names: short protein forms E825K.
Identifiers: ClinVar variation 573786 (VCV000573786.13), dbSNP rs779666225, ClinGen allele CA6712329.
Genomic context (GRCh38, chr12:88,109,076, plus strand): 5'-TTAACAAGAATATACTGCAATTATATTTATAGTTTTGCTAATACCTATACCTTAGGTATT[C>T]TTTATACAACAAACTTTGTTGATGACGAATTACAGCAAATTTTCTGTTGTAATCTTCAAG-3'
Protein context (NP_079390.3, residues 815-835): IRHQQSLLYK[Glu825Lys]YLSEKETWKT

ClinVar aggregate classification (germline): Uncertain significance. Review status: criteria provided, multiple submitters, no conflicts (2 of 4 stars). 5 submissions from 5 submitters: Uncertain significance (3). 2 of the submissions do not count toward it. Last evaluated 2024-05-17.

Conditions:
CEP290-related disorder. Also called: CEP290-related condition; CEP290-related disorders. Identifiers: MedGen CN239314.
Leber congenital amaurosis (LCA). Also called: Leber's amaurosis. Identifiers: Orphanet 65, MedGen C0339527, MeSH D057130, MONDO:0018998.
Meckel-Gruber syndrome. Also called: DYSENCEPHALIA SPLANCHNOCYSTICA; GRUBER SYNDROME; Dysencephalia splachnocystica. Identifiers: Orphanet 564, MedGen C0265215, MONDO:0018921.
Nephronophthisis. Also called: Juvenile Nephronophthisis. Identifiers: Orphanet 655, MedGen C0687120, MONDO:0019005, HP:0000090.
Joubert syndrome. Also called: JOUBERT-BOLTSHAUSER SYNDROME; Familial aplasia of the vermis. Identifiers: Orphanet 475, MedGen C5979921, MONDO:0018772.
Senior-Loken syndrome 6 (SLSN6). Identifiers: Orphanet 3156, MedGen C1857779, MONDO:0012433, OMIM 610189.
Bardet-Biedl syndrome 14 (BBS14). Identifiers: Orphanet 110, MedGen C2673874, MONDO:0014442, OMIM 615991.
Meckel syndrome, type 4 (MKS4). Also called: MECKEL-GRUBER SYNDROME, TYPE 4. Identifiers: Orphanet 564, MedGen C1970161, MONDO:0012626, OMIM 611134.
Joubert syndrome 5 (JBTS5). Identifiers: Orphanet 2318, MedGen C1857780, MONDO:0012432, OMIM 610188.
Leber congenital amaurosis 10 (LCA10). Identifiers: Orphanet 65, MedGen C1857821, MONDO:0012723, OMIM 611755.

Allele frequency attached by ClinVar (database versions not stated): gnomAD exomes below 0.00001 and 0.00001; ExAC 0.00002; gnomAD 0.00010 and 0.00011; TOPMed 0.00013.
gnomAD v4.1: 19 of 1,303,092 alleles (0.0015%); highest among the groups gnomAD compares: African/African-American, 0.029%; no homozygotes.

Submissions (5):

Fulgent Genetics
Classification: Uncertain significance for Joubert syndrome 5; Senior-Loken syndrome 6; Meckel syndrome, type 4; Leber congenital amaurosis 10; Bardet-Biedl syndrome 14. Last evaluated: 2024-05-17. Review status: criteria provided, single submitter. Criteria: ACMG Guidelines, 2015. Collection method: clinical testing. Allele origin: germline.

Labcorp Genetics (formerly Invitae), Labcorp
Classification: Uncertain significance for Joubert syndrome; Meckel-Gruber syndrome; Nephronophthisis. Last evaluated: 2022-08-22. Review status: criteria provided, single submitter. Criteria: Invitae Variant Classification Sherloc (09022015). Collection method: clinical testing. Allele origin: germline.
Comment: This sequence change replaces glutamic acid, which is acidic and polar, with lysine, which is basic and polar, at codon 825 of the CEP290 protein (p.Glu825Lys). The frequency data for this variant in the population databases is considered unreliable, as metrics indicate poor data quality at this position in the gnomAD database. This variant has not been reported in the literature in individuals affected with CEP290-related conditions. ClinVar contains an entry for this variant (Variation ID: 573786). Algorithms developed to predict the effect of missense changes on protein structure and function are either unavailable or do not agree on the potential impact of this missense change (SIFT: "Deleterious"; PolyPhen-2: "Possibly Damaging"; Align-GVGD: "Class C0"). In summary, the available evidence is currently insufficient to determine the role of this variant in disease. Therefore, it has been classified as a Variant of Uncertain Significance.

Blueprint Genetics
Classification: Uncertain significance. Last evaluated: 2020-11-11. Review status: criteria provided, single submitter. Criteria: ACMG Guidelines, 2015. Collection method: clinical testing. Allele origin: germline.

PreventionGenetics, part of Exact Sciences
Classification: Uncertain significance for CEP290-related condition. Last evaluated: 2024-09-16. Review status: no assertion criteria provided. Collection method: clinical testing. Allele origin: germline. Not counted in ClinVar's aggregate classification.
Comment: The CEP290 c.2473G>A variant is predicted to result in the amino acid substitution p.Glu825Lys. To our knowledge, this variant has not been reported in the literature. This variant is reported in 0.023% of alleles in individuals of African descent in gnomAD. At this time, the clinical significance of this variant is uncertain due to the absence of conclusive functional and genetic evidence.

Natera, Inc.
Classification: Uncertain significance for Leber congenital amaurosis. Last evaluated: 2020-02-29. Review status: no assertion criteria provided. Collection method: clinical testing. Allele origin: germline. Not counted in ClinVar's aggregate classification.